The following is an entry in ClinVar:

NM_001308093.3(GATA4):c.1069A>T (p.Ser357Cys)

Gene: GATA4 (GATA binding protein 4). Cytogenetic location: 8p23.1.
Variant type: single nucleotide variant.
Coding change: c.1069A>T on transcript NM_001308093.3 (MANE Select); coding-DNA position 1069, A replaced by T.
Protein change: p.Ser357Cys; replaces serine 357 with cysteine.
Molecular consequence: missense variant.
Genome position (GRCh38, 1-based): chr8:11,757,003, A>T. VCF-style: chr8-11757003-A-T. GRCh37 (hg19) VCF-style: chr8-11614512-A-T.
Other names: c.448A>T, p.Ser150Cys (NM_001308094.2, NM_001374273.1); c.322A>T, p.Ser108Cys (NM_001374274.1); c.1066A>T, p.Ser356Cys (NM_002052.5); short protein forms S150C, S108C, S356C, S357C.
Identifiers: ClinVar variation 1372962 (VCV001372962.6), dbSNP rs1165825689, ClinGen allele CA370315351.

ClinVar aggregate classification (germline): Uncertain significance (1 of 4 stars; one submission).

Conditions:
Atrioventricular septal defect 4 (AVSD4). Identifiers: MedGen C3280781, MONDO:0013747, OMIM 614430.

Submission:

Labcorp Genetics (formerly Invitae), Labcorp
Classification: Uncertain significance for Atrioventricular septal defect 4. Last evaluated: 2025-03-10. Review status: criteria provided, single submitter. Criteria: Invitae Variant Classification Sherloc (09022015). Collection method: clinical testing. Allele origin: germline.
Comment: This sequence change replaces serine, which is neutral and polar, with cysteine, which is neutral and slightly polar, at codon 356 of the GATA4 protein (p.Ser356Cys). This variant is not present in population databases (gnomAD no frequency). This variant has not been reported in the literature in individuals affected with GATA4-related conditions. ClinVar contains an entry for this variant (Variation ID: 1372962). Invitae Evidence Modeling of protein sequence and biophysical properties (such as structural, functional, and spatial information, amino acid conservation, physicochemical variation, residue mobility, and thermodynamic stability) indicates that this missense variant is not expected to disrupt GATA4 protein function with a negative predictive value of 95%. In summary, the available evidence is currently insufficient to determine the role of this variant in disease. Therefore, it has been classified as a Variant of Uncertain Significance.